The following is an entry in ClinVar:

ClinVar aggregate classification (germline): Pathogenic (1 of 4 stars; one submission).

Submission:

GeneDx
Classification: Pathogenic. Last evaluated: 2024-07-09. Review status: criteria provided, single submitter. Criteria: GeneDx Variant Classification Process June 2021. Collection method: clinical testing. Allele origin: germline. Affected: yes.
Comment: Not observed at significant frequency in large population cohorts (gnomAD); Has not been previously published as pathogenic or benign to our knowledge; Nonsense variant predicted to result in protein truncation or nonsense mediated decay in a gene for which loss of function is a known mechanism of disease

NM_181486.4(TBX5):c.587C>G (p.Ser196Ter)

Gene: TBX5 (T-box transcription factor 5; minus strand). Cytogenetic location: 12q24.21.
Variant type: single nucleotide variant.
Coding change: c.587C>G on transcript NM_181486.4 (MANE Select); coding-DNA position 587, C replaced by G.
Protein change: p.Ser196Ter; replaces serine 196 with a stop codon.
Molecular consequence: nonsense.
Genome position (GRCh38, 1-based): chr12:114,394,817, G>C on the plus strand (C>G on the coding strand, the complement: TBX5 is on the minus strand). VCF-style: chr12-114394817-G-C. GRCh37 (hg19) VCF-style: chr12-114832622-G-C.
Other names: c.587C>G, p.Ser196Ter (NM_000192.3); c.437C>G, p.Ser146Ter (NM_080717.4); short protein forms S196*, S146*.
Identifiers: ClinVar variation 488731 (VCV000488731.5), dbSNP rs886041247, ClinGen allele CA386861447.